The following is an entry in ClinVar:

ClinVar aggregate classification (germline): Likely benign. Review status: criteria provided, multiple submitters, no conflicts (2 of 4 stars). 2 submissions from 2 submitters: Likely benign (2). Last evaluated 2017-04-27.

Conditions:
PHARC syndrome. Also called: Polyneuropathy-hearing loss-ataxia-retinitis pigmentosa-cataract syndrome. Identifiers: Orphanet 171848, MedGen C2675204, MONDO:0012984, OMIM 612674.

Allele frequency attached by ClinVar (database versions not stated): 1000 Genomes Project 0.01937; 1000 Genomes Project 30x 0.02014; TOPMed 0.02659; gnomAD 0.02689 and 0.02710; gnomAD exomes 0.03188.
gnomAD v4.1: 34,995 of 1,122,144 alleles (3.1%); highest among the groups gnomAD compares: Admixed American, 4.8%; 579 homozygotes.

Submissions (2):

Illumina Laboratory Services, Illumina
Classification: Likely benign for PHARC syndrome. Last evaluated: 2017-04-27. Review status: criteria provided, single submitter. Criteria: ICSL Variant Classification Criteria 13 December 2019. Collection method: clinical testing. Allele origin: germline.
Comment: This variant was observed as part of a predisposition screen in an ostensibly healthy population. A literature search was performed for the gene, cDNA change, and amino acid change (where applicable). No publications were found based on this search. Allele frequency data from public databases allowed determination this variant is unlikely to cause disease. Therefore, this variant is classified as likely benign.

Breakthrough Genomics
Classification: Likely benign. Review status: criteria provided, single submitter. Criteria: ACMG Guidelines, 2015. Collection method: not provided. Allele origin: germline. Inheritance: Autosomal recessive inheritance. Affected: yes.

NM_001042472.3(ABHD12):c.*454G>A

Gene: ABHD12 (abhydrolase domain containing 12, lysophospholipase; minus strand). Cytogenetic location: 20p11.21.
Variant type: single nucleotide variant.
Coding change: c.*454G>A on transcript NM_001042472.3 (MANE Select); 454 bases downstream of the stop codon, G replaced by A.
Molecular consequence: 3 prime UTR variant. On other transcripts: intron variant (1).
Genome position (GRCh38, 1-based): chr20:25,300,391, C>T on the plus strand (G>A on the coding strand, the complement: ABHD12 is on the minus strand). VCF-style: chr20-25300391-C-T. GRCh37 (hg19) VCF-style: chr20-25281027-C-T.
Other names: c.1157+1828G>A (NM_015600.5).
Identifiers: ClinVar variation 337980 (VCV000337980.6), dbSNP rs41309917, ClinGen allele CA10652419.